The following is an entry in ClinVar:

NM_017950.4(CCDC40):c.970C>T (p.Arg324Trp)

Gene: CCDC40 (coiled-coil domain 40 molecular ruler complex subunit; plus strand). Cytogenetic location: 17q25.3.
Variant type: single nucleotide variant.
Coding change: c.970C>T on transcript NM_017950.4 (MANE Select); coding-DNA position 970, C replaced by T.
Protein change: p.Arg324Trp; replaces arginine 324 with tryptophan.
Molecular consequence: missense variant.
Genome position (GRCh38, 1-based): chr17:80,050,094, C>T. VCF-style: chr17-80050094-C-T. GRCh37 (hg19) VCF-style: chr17-78023893-C-T.
Other names: c.970C>T, p.Arg324Trp (NM_001243342.2, NM_001330508.2); short protein forms R324W.
Identifiers: ClinVar variation 1767937 (VCV001767937.5), dbSNP rs777362493, ClinGen allele CA8813638.
Genomic context (GRCh38, chr17:80,050,094, plus strand): 5'-CTGGTGACCCTGTTTCTCTCTTTGGTCCAGGTTGTGGCTACCAAGCAGAGCCGAGCCCAG[C>T]GGCAGGAGCTGGGGGTGAATCTCTATGAGGTGCAGCAGCACCTGGTACACCTGCAGAAGC-3'
Protein context (NP_060420.2, residues 314-334): VVATKQSRAQ[Arg324Trp]QELGVNLYEV

ClinVar aggregate classification (germline): Uncertain significance. Review status: criteria provided, multiple submitters, no conflicts (2 of 4 stars). 2 submissions from 2 submitters: Uncertain significance (2). Last evaluated 2021-12-22.

Conditions:
Primary ciliary dyskinesia. Also called: Ciliary dyskinesia. Identifiers: Orphanet 244, MedGen C0008780, MONDO:0016575, HP:0012265.

Allele frequency attached by ClinVar (database versions not stated): TOPMed below 0.00001; ExAC 0.00001.
gnomAD v4.1: 12 of 1,613,966 alleles (0.00074%); highest among the groups gnomAD compares: South Asian, 0.0033%; no homozygotes.

Submissions (2):

Labcorp Genetics (formerly Invitae), Labcorp
Classification: Uncertain significance for Primary ciliary dyskinesia. Last evaluated: 2021-12-22. Review status: criteria provided, single submitter. Criteria: Invitae Variant Classification Sherloc (09022015). Collection method: clinical testing. Allele origin: germline.
Comment: In summary, the available evidence is currently insufficient to determine the role of this variant in disease. Therefore, it has been classified as a Variant of Uncertain Significance. Algorithms developed to predict the effect of missense changes on protein structure and function are either unavailable or do not agree on the potential impact of this missense change (SIFT: "Deleterious"; PolyPhen-2: "Probably Damaging"; Align-GVGD: "Class C15"). This variant has not been reported in the literature in individuals affected with CCDC40-related conditions. This variant is present in population databases (rs777362493, gnomAD 0.003%). This sequence change replaces arginine, which is basic and polar, with tryptophan, which is neutral and slightly polar, at codon 324 of the CCDC40 protein (p.Arg324Trp).

Ambry Genetics
Classification: Uncertain significance for Primary ciliary dyskinesia. Last evaluated: 2021-12-07. Review status: criteria provided, single submitter. Criteria: Ambry Variant Classification Scheme 2023. Collection method: clinical testing. Allele origin: germline.
Comment: The p.R324W variant (also known as c.970C>T), located in coding exon 7 of the CCDC40 gene, results from a C to T substitution at nucleotide position 970. The arginine at codon 324 is replaced by tryptophan, an amino acid with dissimilar properties. This amino acid position is conserved. In addition, the in silico prediction for this alteration is inconclusive. Since supporting evidence is limited at this time, the clinical significance of this alteration remains unclear.